The following is an entry in ClinVar:

ClinVar aggregate classification (germline): Pathogenic. Review status: criteria provided, multiple submitters, no conflicts (2 of 4 stars). 2 submissions from 2 submitters: Pathogenic (2). Last evaluated 2023-05-18.

Conditions:
Familial cancer of breast. Also called: Hereditary breast cancer; BREAST CANCER, FAMILIAL; hereditary breast carcinoma. Identifiers: Orphanet 227535, MedGen C0346153, MONDO:0016419, OMIM 114480. Disease mechanism: loss of function.
Hereditary cancer-predisposing syndrome. Also called: Hereditary Cancer Syndrome; Neoplastic Syndromes, Hereditary; Tumor predisposition; Hereditary neoplastic syndrome. Identifiers: Orphanet 140162, MedGen C0027672, MeSH D009386, MONDO:0015356.

Submissions (2):

Myriad Genetics, Inc.
Classification: Pathogenic for Familial cancer of breast. Last evaluated: 2023-05-18. Review status: criteria provided, single submitter. Criteria: Myriad Autosomal Dominant, Autosomal Recessive and X-Linked Classification Criteria (2023). Collection method: clinical testing. Allele origin: unknown.
Comment: This variant is considered pathogenic. This variant creates a frameshift predicted to result in premature protein truncation.

Color Diagnostics, LLC DBA Color Health
Classification: Pathogenic for Hereditary cancer-predisposing syndrome. Last evaluated: 2020-05-14. Review status: criteria provided, single submitter. Criteria: ACMG Guidelines, 2015. Collection method: clinical testing. Allele origin: germline.
Comment: This variant deletes 1 nucleotide in exon 3 of the BARD1 gene, creating a frameshift and premature translation stop signal. This variant is expected to result in an absent or non-functional protein product. To our knowledge, this variant has not been reported in individuals affected with hereditary cancer in the literature. This variant has not been identified in the general population by the Genome Aggregation Database (gnomAD). Loss of BARD1 function is a known mechanism of disease. Based on the available evidence, this variant is classified as Pathogenic.

NM_000465.4(BARD1):c.266del (p.Pro89fs)

Gene: BARD1 (BRCA1 associated RING domain 1; minus strand). Cytogenetic location: 2q35.
Variant type: Deletion.
Coding change: c.266del on transcript NM_000465.4 (MANE Select); coding-DNA position 266, one base deleted (C; older notation c.266delC).
Protein change: p.Pro89fs; shifts the reading frame from proline 89.
Molecular consequence: frameshift variant. On other transcripts: non-coding transcript variant (1), intron variant (2).
Genome position (GRCh38, 1-based): chr2:214,792,395, G deleted on the plus strand (C on the coding strand, the reverse complement: BARD1 is on the minus strand); the first of 4 consecutive G bases (chr2:214,792,395-214,792,398); deleting any one gives the same sequence. VCF-style (leftmost placement, unchanged base first): chr2-214792394-CG-C. GRCh37 (hg19) VCF-style: chr2-215657118-CG-C.
Other names: c.209del, p.Pro70fs (NM_001282543.2); c.266del, p.Pro89fs (NM_001282549.2); c.158+17017del (NM_001282548.2); c.215+4666del (NM_001282545.2); short protein forms P70fs, P89fs.
Identifiers: ClinVar variation 490962 (VCV000490962.6), dbSNP rs1553624802, ClinGen allele CA658683290.